The following is an entry in ClinVar:

ClinVar aggregate classification (germline): Benign. Review status: criteria provided, multiple submitters, no conflicts (2 of 4 stars). 13 submissions from 13 submitters: Benign (12). 1 of the submissions does not count toward it. Last evaluated 2026-02-04.

Conditions:
Cardiovascular phenotype. Identifiers: MedGen CN230736.
Familial hypercholesterolemia. Also called: Familial hypercholesterolemias; Familial hypercholesterolaemia. Identifiers: MedGen C0020445, MONDO:0005439.
Hypercholesterolemia, familial, 4 (FHCL4). Also called: HYPERCHOLESTEROLEMIA, AUTOSOMAL RECESSIVE, 1; HYPERCHOLESTEROLEMIA, AUTOSOMAL RECESSIVE, 2. Identifiers: Orphanet 391665, MedGen C1863512, MONDO:0011374, OMIM 603813.

Allele frequency attached by ClinVar (database versions not stated): TOPMed 0.47749; gnomAD 0.47789 and 0.47835; 1000 Genomes Project 0.43490; 1000 Genomes Project 30x 0.43520; ESP Exome Variant Server 0.46931.
gnomAD v4.1: 834,805 of 1,611,136 alleles (52%); highest among the groups gnomAD compares: Middle Eastern, 57%; 218,659 homozygotes.

Submissions (13):

Labcorp Genetics (formerly Invitae), Labcorp
Classification: Benign for Hypercholesterolemia, familial, 4. Last evaluated: 2026-02-04. Review status: criteria provided, single submitter. Criteria: Invitae Variant Classification Sherloc (09022015). Collection method: clinical testing. Allele origin: germline.

ARUP Laboratories, Molecular Genetics and Genomics, ARUP Laboratories
Classification: Benign for Hypercholesterolemia, familial, 4. Last evaluated: 2025-07-30. Review status: criteria provided, single submitter. Criteria: ARUP Molecular Germline Variant Investigation Process 2024. Collection method: clinical testing. Allele origin: germline.

Molecular Diagnostic Laboratory for Inherited Cardiovascular Disease, Montreal Heart Institute
Classification: Benign. Last evaluated: 2025-04-09. Review status: criteria provided, single submitter. Criteria: ACMG Guidelines, 2015. Collection method: clinical testing. Allele origin: germline. Affected: no.

Blueprint Genetics
Classification: Benign. Last evaluated: 2024-11-26. Review status: criteria provided, single submitter. Criteria: ACMG Guidelines, 2015. Collection method: clinical testing. Allele origin: germline.

GENinCode PLC
Classification: Benign for Hypercholesterolemia, familial, 4. Last evaluated: 2022-06-30. Review status: criteria provided, single submitter. Criteria: ACMG Guidelines, 2015. Collection method: clinical testing. Allele origin: germline.

Genome-Nilou Lab
Classification: Benign for Hypercholesterolemia, familial, 4. Last evaluated: 2021-07-08. Review status: criteria provided, single submitter. Criteria: ACMG Guidelines, 2015. Collection method: clinical testing. Allele origin: germline. Affected: no.

Women's Health and Genetics/Laboratory Corporation of America, LabCorp
Classification: Benign. Last evaluated: 2019-08-13. Review status: criteria provided, single submitter. Criteria: LabCorp Variant Classification Summary - May 2015. Collection method: clinical testing. Allele origin: germline.
Comment: Variant summary: LDLRAP1 c.604T>C (p.Ser202Pro) results in a non-conservative amino acid change in the encoded protein sequence. Four of five in-silico tools predict a benign effect of the variant on protein function. The variant allele was found at a frequency of 0.51 in 250530 control chromosomes, therefore suggesting the variant is the major allele. Two ClinVar submissions (evaluation after 2014) cite the variant as benign. Based on the evidence outlined above, the variant was classified as benign.

Illumina Laboratory Services, Illumina
Classification: Benign for Hypercholesterolemia, familial, 4. Last evaluated: 2018-01-13. Review status: criteria provided, single submitter. Criteria: ICSL Variant Classification Criteria 13 December 2019. Collection method: clinical testing. Allele origin: germline.
Comment: This variant was observed in the ICSL laboratory as part of a predisposition screen in an ostensibly healthy population. It had not been previously curated by ICSL or reported in the Human Gene Mutation Database (HGMD: prior to June 1st, 2018), and was therefore a candidate for classification through an automated scoring system. Utilizing variant allele frequency, disease prevalence and penetrance estimates, and inheritance mode, an automated score was calculated to assess if this variant is too frequent to cause the disease. Based on the score and internal cut-off values, a variant classified as benign is not then subjected to further curation. The score for this variant resulted in a classification of benign for this disease.

Ambry Genetics
Classification: Benign for Cardiovascular phenotype. Last evaluated: 2016-11-02. Review status: criteria provided, single submitter. Criteria: Ambry Variant Classification Scheme 2023. Collection method: clinical testing. Allele origin: germline.

GeneDx
Classification: Benign. Last evaluated: 2016-09-28. Review status: criteria provided, single submitter. Criteria: GeneDx Variant Classification (06012015). Collection method: clinical testing. Allele origin: germline. Affected: yes.
Comment: This variant is considered likely benign or benign based on one or more of the following criteria: it is a conservative change, it occurs at a poorly conserved position in the protein, it is predicted to be benign by multiple in silico algorithms, and/or has population frequency not consistent with disease.

Mayo Clinic Laboratories, Mayo Clinic
Classification: Benign. Last evaluated: 2014-02-26. Review status: criteria provided, single submitter. Criteria: ACMG Guidelines, 2015. Collection method: clinical testing. Allele origin: germline. Observed: 956 variant alleles.

Breakthrough Genomics
Classification: Benign. Review status: criteria provided, single submitter. Criteria: ACMG Guidelines, 2015. Collection method: not provided. Allele origin: germline. Inheritance: Autosomal recessive inheritance. Affected: yes.

Natera, Inc.
Classification: Benign for Familial hypercholesterolemia. Last evaluated: 2020-09-16. Review status: no assertion criteria provided. Collection method: clinical testing. Allele origin: germline. Not counted in ClinVar's aggregate classification.

NM_015627.3(LDLRAP1):c.604T>C (p.Ser202Pro)

Gene: LDLRAP1 (low density lipoprotein receptor adaptor protein 1; plus strand). Cytogenetic location: 1p36.11.
Variant type: single nucleotide variant.
Coding change: c.604T>C on transcript NM_015627.3 (MANE Select); coding-DNA position 604, T replaced by C.
Protein change: p.Ser202Pro; replaces serine 202 with proline.
Molecular consequence: missense variant.
Genome position (GRCh38, 1-based): chr1:25,563,141, T>C. VCF-style: chr1-25563141-T-C. GRCh37 (hg19) VCF-style: chr1-25889632-T-C.
Other names: short protein forms S202P.
Identifiers: ClinVar variation 296982 (VCV000296982.35), dbSNP rs6687605, ClinGen allele CA695643.